The following is an entry in ClinVar:

ClinVar aggregate classification (germline): Uncertain significance (1 of 4 stars; one submission).

Submission:

Labcorp Genetics (formerly Invitae), Labcorp
Classification: Uncertain significance. Last evaluated: 2024-01-05. Review status: criteria provided, single submitter. Criteria: Invitae Variant Classification Sherloc (09022015). Collection method: clinical testing. Allele origin: germline.
Comment: This sequence change replaces arginine, which is basic and polar, with serine, which is neutral and polar, at codon 48 of the RORB protein (p.Arg48Ser). This variant is not present in population databases (gnomAD no frequency). This variant has not been reported in the literature in individuals affected with RORB-related conditions. An algorithm developed to predict the effect of missense changes on protein structure and function (PolyPhen-2) suggests that this variant is likely to be disruptive. In summary, the available evidence is currently insufficient to determine the role of this variant in disease. Therefore, it has been classified as a Variant of Uncertain Significance.

NM_006914.4(RORB):c.144G>T (p.Arg48Ser)

Gene: RORB (RAR related orphan receptor B; plus strand). Cytogenetic location: 9q21.13.
Variant type: single nucleotide variant.
Coding change: c.144G>T on transcript NM_006914.4 (MANE Select); coding-DNA position 144, G replaced by T.
Protein change: p.Arg48Ser; replaces arginine 48 with serine.
Molecular consequence: missense variant.
Genome position (GRCh38, 1-based): chr9:74,634,681, G>T. VCF-style: chr9-74634681-G-T. GRCh37 (hg19) VCF-style: chr9-77249597-G-T.
Other names: c.177G>T, p.Arg59Ser (NM_001365023.1); short protein forms R48S, R59S.
Identifiers: ClinVar variation 2707850 (VCV002707850.3), dbSNP rs2489566857, ClinGen allele CA373772195.